The following is an entry in ClinVar:

ClinVar aggregate classification (germline): Pathogenic/Likely pathogenic. Review status: criteria provided, multiple submitters, no conflicts (2 of 4 stars). 4 submissions from 4 submitters: Pathogenic (3); Likely pathogenic (1). Last evaluated 2026-01-15.

Conditions:
Mucopolysaccharidosis, MPS-III-A (MPS3A). Also called: Mucopolysaccharidosis, type IIIA; mucopolysaccharidosis type 3A; MPS IIIA (Sanfilippo Syndrome Type A); HEPARAN SULFATE SULFATASE DEFICIENCY; Mucopolysaccharidosis type IIIA (Sanfilippo A); SANFILIPPO SYNDROME A. Identifiers: Orphanet 581, Orphanet 79269, MedGen C0086647, MONDO:0009655, OMIM 252900.

Submissions (4):

Natera, Inc.
Classification: Pathogenic for Mucopolysaccharidosis type IIIA. Last evaluated: 2026-01-15. Review status: criteria provided, single submitter. Criteria: Natera Variant Classification Schema (03/2026). Collection method: clinical testing. Allele origin: germline.
Comment: The c.1345delC variant in SGSH is a frameshift variant predicted to elongate the protein beyond the termination codon. This variant is expected to result in nonsense mediated decay, truncation, or a dysfunctional protein product. This variant is rare in the general population with a frequency below the threshold expected for the associated phenotype(s). This variant has been observed in one or more individuals affected with the associated recessive disease, as either homozygous or compound heterozygous with a second variant (PMID: 22976768). Additionally, this variant has been observed to segregate in affected family members (PMID: 22976768). Given the available evidence, this variant is classified as Pathogenic.

Labcorp Genetics (formerly Invitae), Labcorp
Classification: Pathogenic for Mucopolysaccharidosis, MPS-III-A. Last evaluated: 2025-09-15. Review status: criteria provided, single submitter. Criteria: Invitae Variant Classification Sherloc (09022015). Collection method: clinical testing. Allele origin: germline.
Comment: This sequence change is expected to alter the c-terminus of the SGSH protein (p.Gln449Argfs*142). While this is not anticipated to result in nonsense mediated decay, it is expected to disrupt the last 54 amino acid(s) of the SGSH protein and extend the protein by 87 additional amino acid residues. This variant is present in population databases (no rsID available, gnomAD 0.003%). This frameshift has been observed in individual(s) with mucopolysaccharidosis (PMID: 22976768). ClinVar contains an entry for this variant (Variation ID: 1401367). This variant disrupts a region of the SGSH protein in which other variant(s) (p.Trp479*) have been determined to be pathogenic (PMID: 21204211). This suggests that this is a clinically significant region of the protein, and that variants that disrupt it are likely to be disease-causing. For these reasons, this variant has been classified as Pathogenic.

GeneDx
Classification: Likely pathogenic. Last evaluated: 2025-04-26. Review status: criteria provided, single submitter. Criteria: GeneDx Variant Classification Process June 2021. Collection method: clinical testing. Allele origin: germline. Affected: yes.
Comment: Frameshift variant predicted to result in abnormal protein length as the last 54 amino acid(s) are replaced with 141 different amino acid(s), and other similar variants have been reported in HGMD; Not observed at significant frequency in large population cohorts (gnomAD); This variant is associated with the following publications: (PMID: 22976768)

Baylor Genetics
Classification: Pathogenic for Mucopolysaccharidosis, MPS-III-A. Last evaluated: 2024-02-23. Review status: criteria provided, single submitter. Criteria: ACMG Guidelines, 2015. Collection method: clinical testing. Allele origin: unknown.

Literature cited by the submitters: PubMed 22976768 (cited by Natera, Inc. and Labcorp Genetics (formerly Invitae), Labcorp); PubMed 21204211 (cited by Labcorp Genetics (formerly Invitae), Labcorp).

NM_000199.5(SGSH):c.1345del (p.Gln449fs)

Gene: SGSH (N-sulfoglucosamine sulfohydrolase; minus strand). Cytogenetic location: 17q25.3.
Variant type: Deletion.
Coding change: c.1345del on transcript NM_000199.5 (MANE Select); coding-DNA position 1345, one base deleted (C; older notation c.1345delC).
Protein change: p.Gln449fs; shifts the reading frame from glutamine 449.
Molecular consequence: frameshift variant. On other transcripts: 3 prime UTR variant (2), non-coding transcript variant (1).
Genome position (GRCh38, 1-based): chr17:80,210,616, G deleted on the plus strand (C on the coding strand, the reverse complement: SGSH is on the minus strand); the first of 3 consecutive G bases (chr17:80,210,616-80,210,618); deleting any one gives the same sequence. VCF-style (leftmost placement, unchanged base first): chr17-80210615-TG-T. GRCh37 (hg19) VCF-style: chr17-78184414-TG-T.
Other names: c.1345del (NM_000199.3); c.1345delC (NM_000199.4); c.*432del (NM_001352921.3); c.*395del (NM_001352922.2); short protein forms Q449fs.
Identifiers: ClinVar variation 1401367 (VCV001401367.10), dbSNP rs1466245913, ClinGen allele CA628018996.